The following is an entry in ClinVar:

NM_004370.6(COL12A1):c.2552T>A (p.Val851Glu)

Gene: COL12A1 (collagen type XII alpha 1 chain; minus strand). Cytogenetic location: 6q13.
Variant type: single nucleotide variant.
Coding change: c.2552T>A on transcript NM_004370.6 (MANE Select); coding-DNA position 2552, T replaced by A.
Protein change: p.Val851Glu; replaces valine 851 with glutamic acid.
Molecular consequence: missense variant. On other transcripts: intron variant (1).
Genome position (GRCh38, 1-based): chr6:75,175,196, A>T on the plus strand (T>A on the coding strand, the complement: COL12A1 is on the minus strand). VCF-style: chr6-75175196-A-T. GRCh37 (hg19) VCF-style: chr6-75884912-A-T.
Other names: c.74-22714T>A (NM_080645.3); short protein forms V851E.
Identifiers: ClinVar variation 949745 (VCV000949745.13), dbSNP rs771124556, ClinGen allele CA3893949.

ClinVar aggregate classification (germline): Uncertain significance. Review status: criteria provided, multiple submitters, no conflicts (2 of 4 stars). 3 submissions from 3 submitters: Uncertain significance (3). Last evaluated 2025-05-18.

Conditions:
Ullrich congenital muscular dystrophy 2 (UCMD2). Identifiers: Orphanet 75840, MedGen C4225314, MONDO:0014654, OMIM 616470.
Bethlem myopathy 2 (BTHLM2). Identifiers: Orphanet 536516, Orphanet 610, MedGen C4225313, MONDO:0034022, OMIM 616471.
Inborn genetic diseases. Identifiers: MedGen C0950123, MeSH D030342.

Allele frequency attached by ClinVar (database versions not stated): gnomAD exomes below 0.00001; ExAC 0.00001; gnomAD 0.00002 and 0.00003; TOPMed 0.00013.
gnomAD v4.1: 6 of 1,614,030 alleles (0.00037%); highest among the groups gnomAD compares: Admixed American, 0.0067%; no homozygotes.

Submissions (3):

Labcorp Genetics (formerly Invitae), Labcorp
Classification: Uncertain significance for Bethlem myopathy 2; Ullrich congenital muscular dystrophy 2. Last evaluated: 2025-05-18. Review status: criteria provided, single submitter. Criteria: Invitae Variant Classification Sherloc (09022015). Collection method: clinical testing. Allele origin: germline.
Comment: This sequence change replaces valine, which is neutral and non-polar, with glutamic acid, which is acidic and polar, at codon 851 of the COL12A1 protein (p.Val851Glu). This variant is not present in population databases (gnomAD no frequency). This variant has not been reported in the literature in individuals affected with COL12A1-related conditions. ClinVar contains an entry for this variant (Variation ID: 949745). Invitae Evidence Modeling of protein sequence and biophysical properties (such as structural, functional, and spatial information, amino acid conservation, physicochemical variation, residue mobility, and thermodynamic stability) indicates that this missense variant is not expected to disrupt COL12A1 protein function with a negative predictive value of 80%. In summary, the available evidence is currently insufficient to determine the role of this variant in disease. Therefore, it has been classified as a Variant of Uncertain Significance.

Ambry Genetics
Classification: Uncertain significance for Inborn genetic diseases. Last evaluated: 2024-01-23. Review status: criteria provided, single submitter. Criteria: Ambry Variant Classification Scheme 2023. Collection method: clinical testing. Allele origin: germline.

Revvity Omics, Revvity
Classification: Uncertain significance. Last evaluated: 2021-02-16. Review status: criteria provided, single submitter. Criteria: ACMG Guidelines, 2015. Collection method: clinical testing. Allele origin: germline.